The following is an entry in ClinVar:

NM_001035.3(RYR2):c.12880C>T (p.Leu4294Phe)

Genes: RYR2 (ryanodine receptor 2; plus strand), LOC126806068 (BRD4-independent group 4 enhancer GRCh37_chr1:237947411-237948610; plus strand). Cytogenetic location: 1q43.
Variant type: single nucleotide variant.
Coding change: c.12880C>T on transcript NM_001035.3 (MANE Select); coding-DNA position 12880, C replaced by T.
Protein change: p.Leu4294Phe; replaces leucine 4294 with phenylalanine.
Molecular consequence: missense variant.
Genome position (GRCh38, 1-based): chr1:237,784,592, C>T. VCF-style: chr1-237784592-C-T. GRCh37 (hg19) VCF-style: chr1-237947892-C-T.
Other names: short protein forms L4294F.
Identifiers: ClinVar variation 2047554 (VCV002047554.5), dbSNP rs2527794304, ClinGen allele CA345414560.

ClinVar aggregate classification (germline): Uncertain significance. Review status: criteria provided, multiple submitters, no conflicts (2 of 4 stars). 2 submissions from 2 submitters: Uncertain significance (2). Last evaluated 2023-11-20.

Conditions:
Catecholaminergic polymorphic ventricular tachycardia 1. Also called: VENTRICULAR TACHYCARDIA, CATECHOLAMINERGIC POLYMORPHIC, 1, WITH OR WITHOUT ATRIAL DYSFUNCTION AND/OR DILATED CARDIOMYOPATHY; RYR2-Related Catecholaminergic Polymorphic Ventricular Tachycardia; VENTRICULAR TACHYCARDIA, STRESS-INDUCED POLYMORPHIC 1. Identifiers: Orphanet 3286, MedGen C1631597, MONDO:0011484, OMIM 604772.
Catecholaminergic polymorphic ventricular tachycardia (CVPT). Also called: Catecholamine-induced polymorphic ventricular tachycardia. Identifiers: Orphanet 3286, MedGen C5574922, MONDO:0017990.

Submissions (2):

All of Us Research Program, National Institutes of Health
Classification: Uncertain significance for Catecholaminergic polymorphic ventricular tachycardia. Last evaluated: 2023-11-20. Review status: criteria provided, single submitter. Criteria: ACMG Guidelines, 2015. Collection method: clinical testing. Allele origin: germline. Inheritance: Autosomal dominant inheritance. Observed: 1 variant allele, 1 heterozygote.
Comment: This missense variant replaces leucine with phenylalanine at codon 4294 of the RYR2 protein. Computational prediction suggests that this variant may not impact protein structure and function (internally defined REVEL score threshold <= 0.5, PMID: 27666373). To our knowledge, functional studies have not been reported for this variant. This variant has not been reported in individuals affected with RYR2-related disorders in the literature. This variant has not been identified in the general population by the Genome Aggregation Database (gnomAD). The available evidence is insufficient to determine the role of this variant in disease conclusively. Therefore, this variant is classified as a Variant of Uncertain Significance.

This study involves interpretation of variants in research participants for the purpose of population health screening. Participant phenotype was not available at the time of variant classification. Additional details can be found in publication PMID: 35346344, PMCID: PMC8962531

Labcorp Genetics (formerly Invitae), Labcorp
Classification: Uncertain significance for Catecholaminergic polymorphic ventricular tachycardia 1. Last evaluated: 2022-10-23. Review status: criteria provided, single submitter. Criteria: Invitae Variant Classification Sherloc (09022015). Collection method: clinical testing. Allele origin: germline.
Comment: In summary, the available evidence is currently insufficient to determine the role of this variant in disease. Therefore, it has been classified as a Variant of Uncertain Significance. Advanced modeling of protein sequence and biophysical properties (such as structural, functional, and spatial information, amino acid conservation, physicochemical variation, residue mobility, and thermodynamic stability) performed at Invitae indicates that this missense variant is not expected to disrupt RYR2 protein function. This variant has not been reported in the literature in individuals affected with RYR2-related conditions. This variant is not present in population databases (gnomAD no frequency). This sequence change replaces leucine, which is neutral and non-polar, with phenylalanine, which is neutral and non-polar, at codon 4294 of the RYR2 protein (p.Leu4294Phe).